The following is an entry in ClinVar:

NM_005982.4(SIX1):c.522C>A (p.Asn174Lys)

Genes: SIX1 (SIX homeobox 1; minus strand), MIR9718 (microRNA 9718; plus strand). Cytogenetic location: 14q23.1.
Variant type: single nucleotide variant.
Coding change: c.522C>A on transcript NM_005982.4 (MANE Select); coding-DNA position 522, C replaced by A.
Protein change: p.Asn174Lys; replaces asparagine 174 with lysine.
Molecular consequence: missense variant. On other transcripts: non-coding transcript variant (1).
Genome position (GRCh38, 1-based): chr14:60,648,668, G>T on the plus strand (C>A on the coding strand, the complement: SIX1 is on the minus strand). VCF-style: chr14-60648668-G-T. GRCh37 (hg19) VCF-style: chr14-61115386-G-T.
Other names: short protein forms N174K.
Identifiers: ClinVar variation 1720328 (VCV001720328.5), dbSNP rs1194530244, ClinGen allele CA389910131.

ClinVar aggregate classification (germline): Uncertain significance (1 of 4 stars; one submission).

Conditions:
Branchiootic syndrome 3 (BOS3). Also called: BO SYNDROME 3. Identifiers: MedGen C1842124, MONDO:0012025, OMIM 608389.
Autosomal dominant nonsyndromic hearing loss 23. Identifiers: Orphanet 90635, MedGen C1854594, MONDO:0011519, OMIM 605192.

Submission:

Labcorp Genetics (formerly Invitae), Labcorp
Classification: Uncertain significance for Autosomal dominant nonsyndromic hearing loss 23; Branchiootic syndrome 3. Last evaluated: 2024-05-22. Review status: criteria provided, single submitter. Criteria: Invitae Variant Classification Sherloc (09022015). Collection method: clinical testing. Allele origin: germline.
Comment: This sequence change replaces asparagine, which is neutral and polar, with lysine, which is basic and polar, at codon 174 of the SIX1 protein (p.Asn174Lys). This variant is not present in population databases (gnomAD no frequency). This variant has not been reported in the literature in individuals affected with SIX1-related conditions. ClinVar contains an entry for this variant (Variation ID: 1720328). Advanced modeling of protein sequence and biophysical properties (such as structural, functional, and spatial information, amino acid conservation, physicochemical variation, residue mobility, and thermodynamic stability) performed at Invitae indicates that this missense variant is expected to disrupt SIX1 protein function with a positive predictive value of 80%. In summary, the available evidence is currently insufficient to determine the role of this variant in disease. Therefore, it has been classified as a Variant of Uncertain Significance.